The following is an entry in ClinVar:

NM_000051.4(ATM):c.5287T>C (p.Tyr1763His)

Gene: ATM (ATM serine/threonine kinase; plus strand). Cytogenetic location: 11q22.3.
Variant type: single nucleotide variant.
Coding change: c.5287T>C on transcript NM_000051.4 (MANE Select); coding-DNA position 5287, T replaced by C.
Protein change: p.Tyr1763His; replaces tyrosine 1763 with histidine.
Molecular consequence: missense variant.
Genome position (GRCh38, 1-based): chr11:108,301,757, T>C. VCF-style: chr11-108301757-T-C. GRCh37 (hg19) VCF-style: chr11-108172484-T-C.
Other names: c.5287T>C, p.Tyr1763His (NM_001351834.2); short protein forms Y1763H.
Identifiers: ClinVar variation 3450283 (VCV003450283.3).

ClinVar aggregate classification (germline): Uncertain significance. Review status: criteria provided, multiple submitters, no conflicts (2 of 4 stars). 2 submissions from 2 submitters: Uncertain significance (2). Last evaluated 2024-08-06.

Conditions:
Hereditary cancer-predisposing syndrome. Also called: Hereditary Cancer Syndrome; Hereditary neoplastic syndrome; Neoplastic Syndromes, Hereditary; Tumor predisposition. Identifiers: Orphanet 140162, MedGen C0027672, MeSH D009386, MONDO:0015356.
Ataxia-telangiectasia syndrome (AT). Also called: AT, COMPLEMENTATION GROUP C; Cerebello-oculocutaneous telangiectasia; Immunodeficiency with ataxia telangiectasia; Ataxia-telangiectasia, complementation group D; Ataxia-telangiectasia; LOUIS-BAR SYNDROME. Identifiers: Orphanet 100, MedGen C0004135, MONDO:0008840, OMIM 208900.

Submissions (2):

Ambry Genetics
Classification: Uncertain significance for Hereditary cancer-predisposing syndrome. Last evaluated: 2024-08-06. Review status: criteria provided, single submitter. Criteria: Ambry Variant Classification Scheme 2023. Collection method: clinical testing. Allele origin: germline.
Comment: The p.Y1763H variant (also known as c.5287T>C), located in coding exon 34 of the ATM gene, results from a T to C substitution at nucleotide position 5287. The tyrosine at codon 1763 is replaced by histidine, an amino acid with similar properties. This amino acid position is highly conserved in available vertebrate species. In addition, this alteration is predicted to be deleterious by in silico analysis. Based on the available evidence, the clinical significance of this variant remains unclear.

Labcorp Genetics (formerly Invitae), Labcorp
Classification: Uncertain significance for Ataxia-telangiectasia syndrome. Last evaluated: 2024-03-12. Review status: criteria provided, single submitter. Criteria: Invitae Variant Classification Sherloc (09022015). Collection method: clinical testing. Allele origin: germline.
Comment: This sequence change replaces tyrosine, which is neutral and polar, with histidine, which is basic and polar, at codon 1763 of the ATM protein (p.Tyr1763His). This variant is not present in population databases (gnomAD no frequency). This variant has not been reported in the literature in individuals affected with ATM-related conditions. An algorithm developed to predict the effect of missense changes on protein structure and function (PolyPhen-2) suggests that this variant is likely to be tolerated. In summary, the available evidence is currently insufficient to determine the role of this variant in disease. Therefore, it has been classified as a Variant of Uncertain Significance.